The following is an entry in ClinVar:

ClinVar aggregate classification (germline): Pathogenic/Likely pathogenic. Review status: criteria provided, multiple submitters, no conflicts (2 of 4 stars). 4 submissions from 4 submitters: Pathogenic (2); Likely pathogenic (1). 1 of the submissions does not count toward it. Last evaluated 2025-04-11.

Conditions:
Hereditary cancer-predisposing syndrome. Also called: Tumor predisposition; Hereditary neoplastic syndrome; Hereditary Cancer Syndrome; Neoplastic Syndromes, Hereditary. Identifiers: Orphanet 140162, MedGen C0027672, MeSH D009386, MONDO:0015356.
Peutz-Jeghers syndrome (PJS). Also called: Peutz-Jeghers polyposis; Periorificial lentiginosis syndrome; POLYPOSIS, HAMARTOMATOUS INTESTINAL; POLYPS-AND-SPOTS SYNDROME. Identifiers: Orphanet 2869, MedGen C0031269, MeSH D010580, MONDO:0008280, OMIM 175200.

Submissions (4):

Quest Diagnostics Nichols Institute San Juan Capistrano
Classification: Pathogenic. Last evaluated: 2025-04-11. Review status: criteria provided, single submitter. Criteria: Quest Diagnostics criteria. Collection method: clinical testing. Allele origin: unknown.
Comment: The STK11 c.465-1G>A variant disrupts a canonical splice-acceptor site and interferes with normal STK11 mRNA splicing. This variant has been reported in the published literature in individuals with Peutz-Jeghers syndrome (PJS) (PMID: 16287113 (2005), 26979979 (2016), 37017260 (2023)). This variant has also been identified in a reportedly unaffected individual (PMID: 33471991 (2021), see also LOVD). This variant has not been reported in large, multi-ethnic general populations (Genome Aggregation Database). Based on the available information, this variant is classified as pathogenic.

Ambry Genetics
Classification: Likely pathogenic for Hereditary cancer-predisposing syndrome. Last evaluated: 2025-03-03. Review status: criteria provided, single submitter. Criteria: Ambry Variant Classification Scheme 2023. Collection method: clinical testing. Allele origin: germline.
Comment: The c.465-1G>A intronic variant results from a G to A substitution one nucleotide upstream from coding exon 4 of the STK11 gene. This variant was reported in individual(s) with features consistent with Peutz-Jeghers syndrome (Jenne DE et al. Nat Genet, 1998 Jan;18:38-43; Ambry internal data). This variant is considered to be rare based on population cohorts in the Genome Aggregation Database (gnomAD). This nucleotide position is highly conserved in available vertebrate species. In silico splice site analysis predicts that this alteration will weaken the native splice acceptor site and may result in the creation or strengthening of a novel splice acceptor site; however, direct evidence is insufficient at this time (Ambry internal data). In addition to the clinical data presented in the literature, alterations that disrupt the canonical splice site are expected to cause aberrant splicing, resulting in an abnormal protein or a transcript that is subject to nonsense-mediated mRNA decay. As such, this alteration is classified as likely pathogenic.

Department of Clinical Genetics, Copenhagen University Hospital, Rigshospitalet
Classification: Pathogenic for Peutz-Jeghers syndrome. Last evaluated: 2025-01-10. Review status: criteria provided, single submitter. Criteria: ACMG Guidelines, 2015. Collection method: clinical testing. Allele origin: germline. Affected: yes.
Comment: The following ACMG criteria was used: PVS1; PM2_SUP; PS4_SUP

OMIM
Classification: Pathogenic for PEUTZ-JEGHERS SYNDROME. Last evaluated: 1998-01-01. Review status: no assertion criteria provided. Collection method: literature only. Allele origin: germline. Not counted in ClinVar's aggregate classification.

Literature cited by the submitters: PubMed 33471991 (cited by Quest Diagnostics Nichols Institute San Juan Capistrano); PubMed 37017260 (cited by Quest Diagnostics Nichols Institute San Juan Capistrano and Department of Clinical Genetics, Copenhagen University Hospital, Rigshospitalet); PubMed 26979979 (cited by Quest Diagnostics Nichols Institute San Juan Capistrano); PubMed 16287113 (cited by Quest Diagnostics Nichols Institute San Juan Capistrano); PubMed 9425897 (cited by Ambry Genetics and OMIM).

NM_000455.5(STK11):c.465-1G>A

Gene: STK11 (serine/threonine kinase 11; plus strand). Cytogenetic location: 19p13.3.
Variant type: single nucleotide variant.
Coding change: c.465-1G>A on transcript NM_000455.5 (MANE Select); the canonical splice acceptor site of the intron before coding-DNA position 465, G replaced by A.
Molecular consequence: splice acceptor variant.
Genome position (GRCh38, 1-based): chr19:1,220,372, G>A. VCF-style: chr19-1220372-G-A. GRCh37 (hg19) VCF-style: chr19-1220371-G-A.
Other names: IVS3, G-A, -1; c.465-1G>A (NM_000455.4, NM_001407255.1).
Identifiers: ClinVar variation 7442 (VCV000007442.3), dbSNP rs587776658, ClinGen allele CA023026.
Genomic context (GRCh38, chr19:1,220,372, plus strand): 5'-AGGGGACCCCTGTGAGGGGCAGGGAGGCCTCGGCCCCAGGACGGGTGTGTGCTGCCCGCA[G>A]GTACTTCTGTCAGCTGATTGACGGCCTGGAGTACCTGCATAGCCAGGGCATTGTGCACAA-3'